The following is an entry in ClinVar:

NM_006059.4(LAMC3):c.1670C>T (p.Pro557Leu)

Genes: LAMC3 (laminin subunit gamma 3; plus strand), LOC126860777 (BRD4-independent group 4 enhancer GRCh37_chr9:133927058-133928257; plus strand). Cytogenetic location: 9q34.12.
Variant type: single nucleotide variant.
Coding change: c.1670C>T on transcript NM_006059.4 (MANE Select); coding-DNA position 1670, C replaced by T.
Protein change: p.Pro557Leu; replaces proline 557 with leucine.
Molecular consequence: missense variant.
Genome position (GRCh38, 1-based): chr9:131,052,530, C>T. VCF-style: chr9-131052530-C-T. GRCh37 (hg19) VCF-style: chr9-133927917-C-T.
Other names: short protein forms P557L.
Identifiers: ClinVar variation 1486692 (VCV001486692.3), dbSNP rs774146147, ClinGen allele CA5287162.

ClinVar aggregate classification (germline): Uncertain significance (1 of 4 stars; one submission).

Allele frequency attached by ClinVar (database versions not stated): gnomAD exomes 0.00001 and 0.00002; ExAC 0.00002; TOPMed 0.00002.
gnomAD v4.1: 8 of 1,614,184 alleles (0.0005%); highest among the groups gnomAD compares: South Asian, 0.0055%; no homozygotes.

Submission:

Labcorp Genetics (formerly Invitae), Labcorp
Classification: Uncertain significance. Last evaluated: 2022-08-09. Review status: criteria provided, single submitter. Criteria: Invitae Variant Classification Sherloc (09022015). Collection method: clinical testing. Allele origin: germline.
Comment: This sequence change replaces proline, which is neutral and non-polar, with leucine, which is neutral and non-polar, at codon 557 of the LAMC3 protein (p.Pro557Leu). This variant is present in population databases (rs774146147, gnomAD 0.01%). This variant has not been reported in the literature in individuals affected with LAMC3-related conditions. ClinVar contains an entry for this variant (Variation ID: 1486692). Algorithms developed to predict the effect of missense changes on protein structure and function output the following: SIFT: "Tolerated"; PolyPhen-2: "Benign"; Align-GVGD: "Class C0". The leucine amino acid residue is found in multiple mammalian species, which suggests that this missense change does not adversely affect protein function. In summary, the available evidence is currently insufficient to determine the role of this variant in disease. Therefore, it has been classified as a Variant of Uncertain Significance.